The following is an entry in ClinVar:

ClinVar aggregate classification (germline): Likely pathogenic (1 of 4 stars; one submission).

Conditions:
Dilated cardiomyopathy 1G (CMD1G). Identifiers: Orphanet 154, MedGen C1858763, MONDO:0011400, OMIM 604145.
Autosomal recessive limb-girdle muscular dystrophy type 2J (LGMDR10). Also called: Limb-girdle muscular dystrophy, type 2J; MUSCULAR DYSTROPHY, LIMB-GIRDLE, AUTOSOMAL RECESSIVE 10. Identifiers: Orphanet 140922, MedGen C1837342, MONDO:0012127, OMIM 608807.

Submission:

Labcorp Genetics (formerly Invitae), Labcorp
Classification: Likely pathogenic for Dilated cardiomyopathy 1G; Autosomal recessive limb-girdle muscular dystrophy type 2J. Last evaluated: 2023-05-22. Review status: criteria provided, single submitter. Criteria: Invitae Variant Classification Sherloc (09022015). Collection method: clinical testing. Allele origin: germline.
Comment: This variant is not present in population databases (gnomAD no frequency). In summary, the currently available evidence indicates that the variant is pathogenic, but additional data are needed to prove that conclusively. Therefore, this variant has been classified as Likely Pathogenic. This variant is located in the A band of TTN (PMID: 25589632). Truncating variants in this region are significantly overrepresented in patients affected with dilated cardiomyopathy (PMID: 25589632). Truncating variants in this region have also been reported in individuals affected with autosomal recessive centronuclear myopathy (PMID: 23975875). This variant has not been reported in the literature in individuals affected with TTN-related conditions. This sequence change creates a premature translational stop signal (p.Asp22304Glnfs*10) in the TTN gene. While this is not anticipated to result in nonsense mediated decay, it is expected to create a truncated TTN protein.

Literature cited by the submitters: PubMed 25589632; PubMed 23975875.

NM_001267550.2(TTN):c.66910_66911del (p.Asp22304fs)

Genes: TTN (titin; minus strand), TTN-AS1 (TTN antisense RNA 1; plus strand). Cytogenetic location: 2q31.2.
Variant type: Microsatellite.
Coding change: c.66910_66911del on transcript NM_001267550.2 (MANE Select); coding-DNA positions 66910 to 66911, 2 bases deleted (GA; older notation c.66910_66911delGA).
Protein change: p.Asp22304fs; shifts the reading frame from aspartic acid 22304.
Molecular consequence: frameshift variant.
Genome position (GRCh38, 1-based): chr2:178,580,468-178,580,469, TC deleted on the plus strand (GA on the coding strand, the reverse complement: TTN is on the minus strand); deleting any 2 consecutive bases within chr2:178,580,468-178,580,472 gives the same sequence; the c. name uses the placement nearest the transcript's 3' end. VCF-style (leftmost placement, unchanged base first): chr2-178580467-GTC-G. GRCh37 (hg19) VCF-style: chr2-179445194-GTC-G.
Other names: c.61987_61988del, p.Asp20663fs (NM_001256850.1); c.39715_39716del, p.Asp13239fs (NM_003319.4); c.59206_59207del, p.Asp19736fs (NM_133378.4); c.40090_40091del, p.Asp13364fs (NM_133432.3); c.40291_40292del, p.Asp13431fs (NM_133437.4); short protein forms D20663fs, D13364fs, D13431fs, D19736fs, D13239fs, D22304fs.
Identifiers: ClinVar variation 2948062 (VCV002948062.3), dbSNP rs2468930328, ClinGen allele CA2740096049.